The following is an entry in ClinVar:

NM_000091.5(COL4A3):c.881G>A (p.Gly294Asp)

Genes: COL4A3 (collagen type IV alpha 3 chain; plus strand), MFF-DT (MFF divergent transcript; minus strand). Cytogenetic location: 2q36.3.
Variant type: single nucleotide variant.
Coding change: c.881G>A on transcript NM_000091.5 (MANE Select); coding-DNA position 881, G replaced by A.
Protein change: p.Gly294Asp; replaces glycine 294 with aspartic acid.
Molecular consequence: missense variant.
Genome position (GRCh38, 1-based): chr2:227,254,708, G>A. VCF-style: chr2-227254708-G-A. GRCh37 (hg19) VCF-style: chr2-228119424-G-A.
Other names: short protein forms G294D.
Identifiers: ClinVar variation 450391 (VCV000450391.2), dbSNP rs1553753137, ClinGen allele CA350866525.

ClinVar aggregate classification (germline): Uncertain significance (1 of 4 stars; one submission).

Submission:

GeneDx
Classification: Uncertain significance. Last evaluated: 2017-07-18. Review status: criteria provided, single submitter. Criteria: GeneDx Variant Classification (06012015). Collection method: clinical testing. Allele origin: germline. Affected: yes.
Comment: The G294D variant in the COL4A3 gene has not been reported previously as a pathogenic variant, nor as a benign variant, to our knowledge. The G294D variant is not observed in large population cohorts (Lek et al., 2016; 1000 Genomes Consortium et al., 2015; Exome Variant Server). The G294D variant is a non-conservative amino acid substitution, which is likely to impact secondary protein structure as these residues differ in polarity, charge, size and/or other properties. This substitution occurs at a position that is conserved in mammals. In silico analysis predicts this variant is probably damaging to the protein structure/function. We interpret G294D as a variant of uncertain significance.